The following is an entry in ClinVar:

NM_000540.3(RYR1):c.10067C>G (p.Ser3356Cys)

Gene: RYR1 (ryanodine receptor 1; plus strand). Cytogenetic location: 19q13.2.
Variant type: single nucleotide variant.
Coding change: c.10067C>G on transcript NM_000540.3 (MANE Select); coding-DNA position 10067, C replaced by G.
Protein change: p.Ser3356Cys; replaces serine 3356 with cysteine.
Molecular consequence: missense variant.
Genome position (GRCh38, 1-based): chr19:38,519,262, C>G. VCF-style: chr19-38519262-C-G. GRCh37 (hg19) VCF-style: chr19-39009902-C-G.
Other names: c.10067C>G, p.Ser3356Cys (NM_001042723.2); short protein forms S3356C.
Identifiers: ClinVar variation 3070492 (VCV003070492.1), dbSNP rs771705965, ClinGen allele CA405694854.

ClinVar aggregate classification (germline): Uncertain significance (1 of 4 stars; one submission).

Conditions:
Malignant hyperthermia, susceptibility to, 1 (MHS1). Also called: RYR1-Related Malignant Hyperthermia Susceptibility; Anesthesia related hyperthermia; Malignant hyperpyrexia; Fulminating hyperpyrexia; Pharmacogenic myopathy; Malignant hyperthermia suceptibility 1. Identifiers: Orphanet 423, MedGen C2930980, MONDO:0007783, OMIM 145600.

Submission:

All of Us Research Program, National Institutes of Health
Classification: Uncertain significance for Malignant hyperthermia, susceptibility to, 1. Last evaluated: 2023-04-27. Review status: criteria provided, single submitter. Criteria: ACMG Guidelines, 2015. Collection method: clinical testing. Allele origin: germline. Inheritance: Autosomal dominant inheritance. Observed: 1 variant allele, 1 heterozygote.
Comment: This study involves interpretation of variants in research participants for the purpose of population health screening. Participant phenotype was not available at the time of variant classification. Additional details can be found in publication PMID: 35346344, PMCID: PMC8962531